The following is an entry in ClinVar:

NM_001278716.2(FBXL4):c.991A>G (p.Lys331Glu)

Gene: FBXL4 (F-box and leucine rich repeat protein 4; minus strand). Cytogenetic location: 6q16.2.
Variant type: single nucleotide variant.
Coding change: c.991A>G on transcript NM_001278716.2 (MANE Select); coding-DNA position 991, A replaced by G.
Protein change: p.Lys331Glu; replaces lysine 331 with glutamic acid.
Molecular consequence: missense variant. On other transcripts: non-coding transcript variant (2).
Genome position (GRCh38, 1-based): chr6:98,905,538, T>C on the plus strand (A>G on the coding strand, the complement: FBXL4 is on the minus strand). VCF-style: chr6-98905538-T-C. GRCh37 (hg19) VCF-style: chr6-99353414-T-C.
Other names: c.991A>G, p.Lys331Glu (NM_012160.5); short protein forms K331E.
Identifiers: ClinVar variation 437673 (VCV000437673.5), dbSNP rs749668327, ClinGen allele CA3933565.

ClinVar aggregate classification (germline): Uncertain significance. Review status: criteria provided, multiple submitters, no conflicts (2 of 4 stars). 2 submissions from 2 submitters: Uncertain significance (2). Last evaluated 2023-05-22.

Conditions:
Mitochondrial DNA depletion syndrome 13. Also called: FBXL4-Related Encephalomyopathic Mitochondrial DNA Depletion Syndrome; Mitochondrial DNA depletion syndrome 13 (encephalomyopathic type). Identifiers: Orphanet 369897, MedGen C3809592, MONDO:0014198, OMIM 615471.

Allele frequency attached by ClinVar (database versions not stated): TOPMed 0.00001; gnomAD exomes 0.00002; ExAC 0.00003.
gnomAD v4.1: 26 of 1,614,002 alleles (0.0016%); highest among the groups gnomAD compares: South Asian, 0.027%; no homozygotes.

Submissions (2):

Labcorp Genetics (formerly Invitae), Labcorp
Classification: Uncertain significance. Last evaluated: 2023-05-22. Review status: criteria provided, single submitter. Criteria: Invitae Variant Classification Sherloc (09022015). Collection method: clinical testing. Allele origin: germline.
Comment: In summary, the available evidence is currently insufficient to determine the role of this variant in disease. Therefore, it has been classified as a Variant of Uncertain Significance. Advanced modeling of protein sequence and biophysical properties (such as structural, functional, and spatial information, amino acid conservation, physicochemical variation, residue mobility, and thermodynamic stability) performed at Invitae indicates that this missense variant is not expected to disrupt FBXL4 protein function. ClinVar contains an entry for this variant (Variation ID: 437673). This variant has not been reported in the literature in individuals affected with FBXL4-related conditions. This variant is present in population databases (rs749668327, gnomAD 0.02%). This sequence change replaces lysine, which is basic and polar, with glutamic acid, which is acidic and polar, at codon 331 of the FBXL4 protein (p.Lys331Glu).

Wong Mito Lab, Molecular and Human Genetics, Baylor College of Medicine
Classification: Uncertain significance for Mitochondrial DNA depletion syndrome 13. Last evaluated: 2017-08-10. Review status: criteria provided, single submitter. Criteria: ACMG Guidelines, 2015. Collection method: reference population. Allele origin: germline.
Comment: The NM_012160.4:c.991A>G (NP_036292.2:p.Lys331Glu) [GRCH38: NC_000006.12:g.98905538T>C] variant in FBXL4 gene is interpretated to be a Uncertain Significance - Insufficient Evidence based on ACMG guidelines (PMID: 25741868). This variant meets one or more of the following evidence codes reported in the ACMG-guideline. PM2:This variant is absent in key population databases. Based on this evidence code ClinGen Pathogenicity Calculator (PMID:28081714) suggested that the variant is Uncertain Significance - Insufficient Evidence.